The following is an entry in ClinVar:

ClinVar aggregate classification (germline): Uncertain significance. Review status: criteria provided, multiple submitters, no conflicts (2 of 4 stars). 2 submissions from 2 submitters: Uncertain significance (2). Last evaluated 2025-10-08.

Conditions:
Anemia, congenital dyserythropoietic, type 1a (CDAN1A). Also called: DYSERYTHROPOIETIC ANEMIA, CONGENITAL, TYPE Ia; CDAN1-Related Congenital Dyserythropoietic Anemia. Identifiers: MedGen C5574667, MONDO:0009135, OMIM 224120.

Allele frequency attached by ClinVar (database versions not stated): 1000 Genomes Project 30x 0.00016.

Submissions (3):

Labcorp Genetics (formerly Invitae), Labcorp
Classification: Uncertain significance. Last evaluated: 2025-10-08. Review status: criteria provided, single submitter. Criteria: Invitae Variant Classification Sherloc (09022015). Collection method: clinical testing. Allele origin: germline.
Comment: This sequence change falls in intron 18 of the CDAN1 gene. It does not directly change the encoded amino acid sequence of the CDAN1 protein. It affects a nucleotide within the consensus splice site. This variant is present in population databases (rs201401533, gnomAD 0.004%). This variant has not been reported in the literature in individuals affected with CDAN1-related conditions. ClinVar contains an entry for this variant (Variation ID: 2886456). Variants that disrupt the consensus splice site are a relatively common cause of aberrant splicing (PMID: 17576681, 9536098). Algorithms developed to predict the effect of sequence changes on RNA splicing suggest that this variant is not likely to affect RNA splicing. In summary, the available evidence is currently insufficient to determine the role of this variant in disease. Therefore, it has been classified as a Variant of Uncertain Significance.

ARUP Laboratories, Molecular Genetics and Genomics, ARUP Laboratories
Classification: Uncertain significance for Anemia, congenital dyserythropoietic, type 1a. Last evaluated: 2024-04-12. Review status: criteria provided, single submitter. Criteria: ARUP Molecular Germline Variant Investigation Process 2024. Collection method: clinical testing. Allele origin: germline.

Dr. Peter K. Rogan Lab, Western University
No classification provided (evidence only). Condition: Acute myeloid leukemia. Review status: no classification provided. Collection method: in vitro. Allele origin: not applicable. Functional consequence: retained intron. Not counted in ClinVar's aggregate classification.

Literature cited by the submitters: PubMed 17576681 (cited by Labcorp Genetics (formerly Invitae), Labcorp); PubMed 9536098 (cited by Labcorp Genetics (formerly Invitae), Labcorp).

NM_138477.4(CDAN1):c.2542-3C>T

Gene: CDAN1 (codanin 1; minus strand). Cytogenetic location: 15q15.2.
Variant type: single nucleotide variant.
Coding change: c.2542-3C>T on transcript NM_138477.4 (MANE Select); 3 bases into the intron before coding-DNA position 2542, C replaced by T.
Molecular consequence: intron variant.
Genome position (GRCh38, 1-based): chr15:42,729,129, G>A on the plus strand (C>T on the coding strand, the complement: CDAN1 is on the minus strand). VCF-style: chr15-42729129-G-A. GRCh37 (hg19) VCF-style: chr15-43021327-G-A.
Identifiers: ClinVar variation 2886456 (VCV002886456.5), dbSNP rs201401533, ClinGen allele CA7515581.